The following is an entry in ClinVar:

ClinVar aggregate classification (germline): Uncertain significance (1 of 4 stars; one submission).

Conditions:
Hereditary cancer-predisposing syndrome. Also called: Neoplastic Syndromes, Hereditary; Tumor predisposition; Hereditary Cancer Syndrome; Hereditary neoplastic syndrome. Identifiers: Orphanet 140162, MedGen C0027672, MeSH D009386, MONDO:0015356.

Submission:

Ambry Genetics
Classification: Uncertain significance for Hereditary cancer-predisposing syndrome. Last evaluated: 2025-08-26. Review status: criteria provided, single submitter. Criteria: Ambry Variant Classification Scheme 2023. Collection method: clinical testing. Allele origin: germline.
Comment: The p.S2R variant (also known as c.4A>C), located in coding exon 1 of the ATM gene, results from an A to C substitution at nucleotide position 4. The serine at codon 2 is replaced by arginine, an amino acid with dissimilar properties. This amino acid position is well conserved in available vertebrate species. In addition, this alteration is predicted to be tolerated by in silico analysis. Based on the available evidence, the clinical significance of this variant remains unclear.

NM_000051.4(ATM):c.4A>C (p.Ser2Arg)

Gene: ATM (ATM serine/threonine kinase; plus strand). Cytogenetic location: 11q22.3.
Variant type: single nucleotide variant.
Coding change: c.4A>C on transcript NM_000051.4 (MANE Select); coding-DNA position 4, A replaced by C.
Protein change: p.Ser2Arg; replaces serine 2 with arginine.
Molecular consequence: missense variant.
Genome position (GRCh38, 1-based): chr11:108,227,628, A>C. VCF-style: chr11-108227628-A-C. GRCh37 (hg19) VCF-style: chr11-108098355-A-C.
Other names: c.4A>C, p.Ser2Arg (NM_001351834.2, NM_001351835.2, NM_001351836.2); short protein forms S2R.
Identifiers: ClinVar variation 4170131 (VCV004170131.1).